The following is an entry in ClinVar:

NM_000041.4(APOE):c.873G>C (p.Gln291His)

Gene: APOE (apolipoprotein E; plus strand). Cytogenetic location: 19q13.32.
Variant type: single nucleotide variant.
Coding change: c.873G>C on transcript NM_000041.4 (MANE Select); coding-DNA position 873, G replaced by C.
Protein change: p.Gln291His; replaces glutamine 291 with histidine.
Molecular consequence: missense variant.
Genome position (GRCh38, 1-based): chr19:44,909,169, G>C. VCF-style: chr19-44909169-G-C. GRCh37 (hg19) VCF-style: chr19-45412426-G-C.
Other names: c.951G>C, p.Gln317His (NM_001302688.2); c.873G>C, p.Gln291His (NM_001302689.2, NM_001302690.2, NM_001302691.2); short protein forms Q291H, Q317H.
Identifiers: ClinVar variation 3340082 (VCV003340082.1).

ClinVar aggregate classification (germline): Uncertain significance (0 of 4 stars; one submission).

Conditions:
Familial hypercholesterolemia. Also called: Familial hypercholesterolaemia. Identifiers: MedGen C0020445, MONDO:0005439.

Submission:

Amrita Institute of Medical Sciences and Research Centre, Amrita Vishwa Vidyapeetham
Classification: Uncertain significance for Familial hypercholesterolemia. Last evaluated: 2023-08-03. Review status: no assertion criteria provided. Collection method: clinical testing. Allele origin: germline. Affected: yes.
Comment: This is a novel mutation in exon 4 of APOE gene.